The following is an entry in ClinVar:

NM_000371.4(TTR):c.52T>G (p.Ser18Ala)

Gene: TTR (transthyretin; plus strand). Cytogenetic location: 18q12.1.
Variant type: single nucleotide variant.
Coding change: c.52T>G on transcript NM_000371.4 (MANE Select); coding-DNA position 52, T replaced by G.
Protein change: p.Ser18Ala; replaces serine 18 with alanine.
Molecular consequence: missense variant.
Genome position (GRCh38, 1-based): chr18:31,591,954, T>G. VCF-style: chr18-31591954-T-G. GRCh37 (hg19) VCF-style: chr18-29171917-T-G.
Other names: p.S18A:TCT>GCT; short protein forms S18A.
Identifiers: ClinVar variation 181705 (VCV000181705.3), dbSNP rs730881172, ClinGen allele CA297548.
Genomic context (GRCh38, chr18:31,591,954, plus strand): 5'-CTTGGCAGGATGGCTTCTCATCGTCTGCTCCTCCTCTGCCTTGCTGGACTGGTATTTGTG[T>G]CTGAGGCTGGCCCTACGGTGAGTGTTTCTGTGACATCCCATTCCTACATTTAAGATTCAC-3'
Protein context (NP_000362.1, residues 8-28): LLCLAGLVFV[Ser18Ala]EAGPTGTGES

ClinVar aggregate classification (germline): Uncertain significance. Review status: criteria provided, multiple submitters, no conflicts (2 of 4 stars). 2 submissions from 2 submitters: Uncertain significance (2). Last evaluated 2025-04-09.

Conditions:
Cardiovascular phenotype. Identifiers: MedGen CN230736.

Allele frequency attached by ClinVar (database versions not stated): gnomAD exomes below 0.00001; ExAC 0.00001.
gnomAD v4.1: 3 of 1,614,188 alleles (0.00019%); highest among the groups gnomAD compares: South Asian, 0.0022%; no homozygotes.

Submissions (2):

Molecular Diagnostic Laboratory for Inherited Cardiovascular Disease, Montreal Heart Institute
Classification: Uncertain significance for Cardiovascular phenotype. Last evaluated: 2025-04-09. Review status: criteria provided, single submitter. Criteria: ACMG Guidelines, 2015. Collection method: clinical testing. Allele origin: germline. Affected: yes.

GeneDx
Classification: Uncertain significance. Last evaluated: 2011-09-07. Review status: criteria provided, single submitter. Criteria: GeneDx Variant Classification (06012015). Collection method: clinical testing. Allele origin: germline. Affected: yes.
Comment: This variant is denoted Ser18Ala (aka S18A) at the protein level and c.52 T>G at the cDNA level. The S18A variant has a T>G nucleotide substitution in exon 1 of the TTR gene and results in the replacement of a Serine codon (TCT) with an Alanine codon (GCT) at amino acid position 18 in transthyretin. The Ser18Ala missense variant, which was not detected in 400 alleles from control individuals of Caucasian and African American ancestry tested at GeneDx, indicating it is not a common benign finding in these populations. Although Ser18Ala results in a non-conservative amino acid substitution of a polar, hydrophilic Serine with a non-polar, hydrophobic Alanine at a position that is moderately conserved across mammals with the same substitution seen naturally in at leaset one species (microbat), several in silico algorithms predict Ser18Ala to be benign (Adzhubei IA et al., 2010; Kumar P et al., 2009; Schwarz JM et al., 2010). The nearest amylodogenic TTR mutation is Cys30Arg. The variant is found in HCM panel(s).